The following is an entry in ClinVar:

NM_001127222.2(CACNA1A):c.4089+2T>G

Gene: CACNA1A (calcium voltage-gated channel subunit alpha1 A; minus strand). Cytogenetic location: 19p13.13.
Variant type: single nucleotide variant.
Coding change: c.4089+2T>G on transcript NM_001127222.2 (MANE Select); the canonical splice donor site of the intron after coding-DNA position 4089, T replaced by G.
Molecular consequence: splice donor variant.
Genome position (GRCh38, 1-based): chr19:13,262,732, A>C on the plus strand (T>G on the coding strand, the complement: CACNA1A is on the minus strand). VCF-style: chr19-13262732-A-C. GRCh37 (hg19) VCF-style: chr19-13373546-A-C.
Other names: c.4092+2T>G (NM_001127221.2, NM_001174080.2); c.4101+2T>G (NM_000068.4, NM_023035.3).
Identifiers: ClinVar variation 981625 (VCV000981625.4), dbSNP rs1600198365, ClinGen allele CA404339902.

ClinVar aggregate classification (germline): Pathogenic/Likely pathogenic. Review status: criteria provided, multiple submitters, no conflicts (2 of 4 stars). 2 submissions from 2 submitters: Pathogenic (1); Likely pathogenic (1). Last evaluated 2025-12-16.

Conditions:
Episodic ataxia type 2 (EA2). Also called: ACETAZOLAMIDE-RESPONSIVE HEREDITARY PAROXYSMAL CEREBELLAR ATAXIA; ATAXIA, EPISODIC, WITH NYSTAGMUS; ATAXIA, FAMILIAL PAROXYSMAL; CEREBELLAR ATAXIA, PAROXYSMAL, ACETAZOLAMIDE-RESPONSIVE; CEREBELLOPATHY, HEREDITARY PAROXYSMAL; EPISODIC ATAXIA, NYSTAGMUS-ASSOCIATED. Identifiers: Orphanet 97, MedGen C1720416, MONDO:0007163, OMIM 108500.

Submissions (2):

3billion
Classification: Likely pathogenic for Episodic ataxia type 2. Last evaluated: 2025-12-16. Review status: criteria provided, single submitter. Criteria: ACMG Guidelines, 2015. Collection method: clinical testing. Allele origin: germline. Affected: yes.
Comment: The variant is observed at an extremely low frequency in the gnomAD v4.1.0 dataset (total allele frequency: <0.001%). Predicted Consequence/Location: Canonical splice site: predicted to alter splicing and result in a loss or disruption of normal protein function. Multiple pathogenic loss-of-function variants are reported downstream of the variant. In silico tools predict the variant to alter splicing and produce an abnormal transcript [SpliceAI: 1.00 (spliceogenicity >=0.2, non-spliceogenicity <0.1)]. The variant has been reported to be associated with CACNA1A-related disorder (ClinVar ID: VCV000981625 /PMID: 33084218). Therefore, this variant is classified as Likely pathogenic according to the recommendation of ACMG/AMP guideline.

Consultorio y Laboratorio de Neurogenética, Hospital JM Ramos Mejia
Classification: Pathogenic for Episodic ataxia type 2. Review status: criteria provided, single submitter. Criteria: CÃ³rdoba et al. (PLoS One. 2018). Collection method: clinical testing. Allele origin: unknown. Inheritance: Autosomal dominant inheritance. Affected: yes. Observed: 1 heterozygote.

Literature cited by the submitters: PubMed 33084218 (cited by 3billion).